The following is an entry in ClinVar:

ClinVar aggregate classification (germline): not provided (0 of 4 stars; one submission).

Conditions:
Familial long QT syndrome (RWS). Also called: Congenital long QT syndrome; Romano-Ward syndrome; VENTRICULAR FIBRILLATION WITH PROLONGED QT INTERVAL. Identifiers: Orphanet 768, MedGen C1141890, MONDO:0019171.

Submission:

Cardiovascular Biomedical Research Unit, Royal Brompton & Harefield NHS Foundation Trust
No classification provided. Condition: Familial long QT syndrome. Review status: no classification provided. Collection method: literature only. Allele origin: germline.
Comment: This variant has been reported as associated with Long QT syndrome in the following publications (PMID:15840476;PMID:16432067). This is a literature report, and does not necessarily reflect the clinical interpretation of the Imperial College / Royal Brompton Cardiovascular Genetics laboratory.

Literature cited by the submitters: PubMed 15840476; PubMed 16432067; PubMed 22581653.

NM_000238.4(KCNH2):c.1366G>T (p.Asp456Tyr)

Gene: KCNH2 (potassium voltage-gated channel subfamily H member 2; minus strand). Cytogenetic location: 7q36.1.
Variant type: single nucleotide variant.
Coding change: c.1366G>T on transcript NM_000238.4 (MANE Select); coding-DNA position 1366, G replaced by T.
Protein change: p.Asp456Tyr; replaces aspartic acid 456 with tyrosine.
Molecular consequence: missense variant.
Genome position (GRCh38, 1-based): chr7:150,952,616, C>A on the plus strand (G>T on the coding strand, the complement: KCNH2 is on the minus strand). VCF-style: chr7-150952616-C-A. GRCh37 (hg19) VCF-style: chr7-150649704-C-A.
Other names: c.1366G>T (LRG_288t1); c.346G>T, p.Asp116Tyr (NM_001204798.2, NM_172057.3); c.1078G>T, p.Asp360Tyr (NM_001406753.1, NM_001406756.1); c.1189G>T, p.Asp397Tyr (NM_001406755.1); c.1066G>T, p.Asp356Tyr (NM_001406757.1); c.1366G>T, p.Asp456Tyr (NM_172056.3); short protein forms D116Y, D456Y, D356Y, D360Y, D397Y.
Identifiers: ClinVar variation 67191 (VCV000067191.3), dbSNP rs199473510, ClinGen allele CA004528.
Genomic context (GRCh38, chr7:150,952,616, plus strand): 5'-CGTAGGTGGTGCGGAAGTTGATGAGGATGTCCACAATGAACATGATGTCCACGATGAGGT[C>A]CACCACAGCCAGCGGCTGGCAGGCGTAGCCACACTCGGTAGCAGGCGGGCCTTCTTCCGT-3'
Protein context (NP_000229.1, residues 446-466): GYACQPLAVV[Asp456Tyr]LIVDIMFIVD